The following is an entry in ClinVar:

NM_170784.3(MKKS):c.1682A>T (p.Asp561Val)

Gene: MKKS (MKKS centrosomal shuttling protein; minus strand). Cytogenetic location: 20p12.2.
Variant type: single nucleotide variant.
Coding change: c.1682A>T on transcript NM_170784.3 (MANE Select); coding-DNA position 1682, A replaced by T.
Protein change: p.Asp561Val; replaces aspartic acid 561 with valine.
Molecular consequence: missense variant. On other transcripts: non-coding transcript variant (1).
Genome position (GRCh38, 1-based): chr20:10,405,278, T>A on the plus strand (A>T on the coding strand, the complement: MKKS is on the minus strand). VCF-style: chr20-10405278-T-A. GRCh37 (hg19) VCF-style: chr20-10385926-T-A.
Other names: c.1682A>T, p.Asp561Val (NM_018848.3); short protein forms D561V.
Identifiers: ClinVar variation 939660 (VCV000939660.9), dbSNP rs2064833443, ClinGen allele CA408230367.

ClinVar aggregate classification (germline): Uncertain significance (1 of 4 stars; one submission).

Conditions:
Bardet-Biedl syndrome (BBS). Identifiers: Orphanet 110, MedGen C0752166, MONDO:0015229.
McKusick-Kaufman syndrome (MKKS). Also called: HYDROMETROCOLPOS SYNDROME; HYDROMETROCOLPOS, POSTAXIAL POLYDACTYLY, AND CONGENITAL HEART MALFORMATION. Identifiers: Orphanet 2473, MedGen C0948368, MONDO:0009367, OMIM 236700.

Submission:

Labcorp Genetics (formerly Invitae), Labcorp
Classification: Uncertain significance for McKusick-Kaufman syndrome; Bardet-Biedl syndrome. Last evaluated: 2024-02-24. Review status: criteria provided, single submitter. Criteria: Invitae Variant Classification Sherloc (09022015). Collection method: clinical testing. Allele origin: germline.
Comment: This sequence change replaces aspartic acid, which is acidic and polar, with valine, which is neutral and non-polar, at codon 561 of the MKKS protein (p.Asp561Val). This variant is not present in population databases (gnomAD no frequency). This variant has not been reported in the literature in individuals affected with MKKS-related conditions. ClinVar contains an entry for this variant (Variation ID: 939660). Advanced modeling of protein sequence and biophysical properties (such as structural, functional, and spatial information, amino acid conservation, physicochemical variation, residue mobility, and thermodynamic stability) performed at Invitae indicates that this missense variant is not expected to disrupt MKKS protein function with a negative predictive value of 80%. In summary, the available evidence is currently insufficient to determine the role of this variant in disease. Therefore, it has been classified as a Variant of Uncertain Significance.